The following is an entry in ClinVar:

ClinVar aggregate classification (germline): Likely pathogenic. Review status: criteria provided, single submitter (1 of 4 stars). 2 submissions from 2 submitters: Likely pathogenic (1). 1 of the submissions does not count toward it. Last evaluated 2022-04-22.

Conditions:
Breast-ovarian cancer, familial, susceptibility to, 1 (BROVCA1). Also called: BRCA1 Hereditary Breast and Ovarian Cancer; OVARIAN CANCER, SUSCEPTIBILITY TO. Identifiers: Orphanet 145, MedGen C2676676, MONDO:0011450, OMIM 604370. Disease mechanism: loss of function.
Breast carcinoma. Also called: Carcinoma of breast. Identifiers: MedGen C0678222, MONDO:0004989, HP:0003002.

Submissions (2):

MGZ Medical Genetics Center
Classification: Likely pathogenic for Breast-ovarian cancer, familial, susceptibility to, 1. Last evaluated: 2022-04-22. Review status: criteria provided, single submitter. Criteria: ACMG Guidelines, 2015. Collection method: clinical testing. Allele origin: germline. Affected: yes. Observed: 1 variant allele.
Comment: ACMG criteria applied: PVS1, PM2_SUP

Medical Genetics Laboratory, Umraniye Training and Research Hospital, University of Health Sciences
Classification: Likely pathogenic for Breast carcinoma. Last evaluated: 2021-08-23. Review status: no assertion criteria provided. Collection method: clinical testing. Allele origin: germline. Affected: yes. Observed: 1 variant allele, 1 heterozygote. Not counted in ClinVar's aggregate classification.
Comment: Invasive Ductal Carcinoma Estrogen Receptor: Negative Progesterone Receptor: Negative HER2 Receptor: Negative

NM_007294.4(BRCA1):c.1119_1120insCTGA (p.Thr374fs)

Gene: BRCA1 (BRCA1 DNA repair associated; minus strand). Cytogenetic location: 17q21.31.
Variant type: Insertion.
Coding change: c.1119_1120insCTGA on transcript NM_007294.4 (MANE Select); coding-DNA positions 1119 to 1120, CTGA inserted.
Protein change: p.Thr374fs; shifts the reading frame from threonine 374.
Molecular consequence: frameshift variant. On other transcripts: intron variant (137).
Genome position: GRCh38 VCF-style: chr17-43094411-T-TTCAG. GRCh37 (hg19) VCF-style: chr17-41246428-T-TTCAG.
Other names: c.738_739insCTGA, p.Thr247fs (NM_001407963.1, NM_001407959.1, NM_001407960.1); c.975_976insCTGA, p.Thr326fs (NM_001407964.1, NM_001407740.1, NM_001407741.1 and 20 more transcripts); c.615_616insCTGA, p.Thr206fs (NM_001407965.1); c.231_232insCTGA, p.Thr78fs (NM_001407966.1, NM_001407967.1); c.978_979insCTGA, p.Thr327fs (NM_007297.4, NM_001407692.1, NM_001407694.1 and 29 more transcripts); c.1119_1120insCTGA, p.Thr374fs (NM_007300.4, NM_001407581.1, NM_001407582.1 and 30 more transcripts); c.646+332_646+333insACTG (NM_001408458.1, NM_001408469.1, NM_001408453.1 and 11 more transcripts); c.283+332_283+333insACTG (NM_001408512.1); and 40 more; short protein forms T327fs, T374fs, T206fs, T326fs, T332fs, T286fs, T371fs, T373fs.
Identifiers: ClinVar variation 1210122 (VCV001210122.5), dbSNP rs2154475092, ClinGen allele CA2499224560.